The following is an entry in ClinVar:

ClinVar aggregate classification (germline): Uncertain significance. Review status: criteria provided, multiple submitters, no conflicts (2 of 4 stars). 2 submissions from 2 submitters: Uncertain significance (2). Last evaluated 2023-12-15.

Conditions:
Inborn genetic diseases. Identifiers: MedGen C0950123, MeSH D030342.

Allele frequency attached by ClinVar (database versions not stated): gnomAD exomes 0.00001; gnomAD 0.00002; ExAC 0.00004; TOPMed 0.00005; 1000 Genomes Project 30x 0.00016; 1000 Genomes Project 0.00020.
gnomAD v4.1: 16 of 1,594,072 alleles (0.001%); highest among the groups gnomAD compares: Admixed American, 0.0053%; no homozygotes.

Submissions (2):

Ambry Genetics
Classification: Uncertain significance for Inborn genetic diseases. Last evaluated: 2023-12-15. Review status: criteria provided, single submitter. Criteria: Ambry Variant Classification Scheme 2023. Collection method: clinical testing. Allele origin: germline.

Labcorp Genetics (formerly Invitae), Labcorp
Classification: Uncertain significance. Last evaluated: 2023-11-17. Review status: criteria provided, single submitter. Criteria: Invitae Variant Classification Sherloc (09022015). Collection method: clinical testing. Allele origin: germline.
Comment: This sequence change replaces valine, which is neutral and non-polar, with isoleucine, which is neutral and non-polar, at codon 304 of the TCF3 protein (p.Val304Ile). This variant is present in population databases (rs561310316, gnomAD 0.02%). This variant has not been reported in the literature in individuals affected with TCF3-related conditions. Advanced modeling of protein sequence and biophysical properties (such as structural, functional, and spatial information, amino acid conservation, physicochemical variation, residue mobility, and thermodynamic stability) performed at Invitae indicates that this missense variant is not expected to disrupt TCF3 protein function with a negative predictive value of 80%. In summary, the available evidence is currently insufficient to determine the role of this variant in disease. Therefore, it has been classified as a Variant of Uncertain Significance.

NM_003200.5(TCF3):c.910G>A (p.Val304Ile)

Gene: TCF3 (transcription factor 3; minus strand). Cytogenetic location: 19p13.3.
Variant type: single nucleotide variant.
Coding change: c.910G>A on transcript NM_003200.5 (MANE Select); coding-DNA position 910, G replaced by A.
Protein change: p.Val304Ile; replaces valine 304 with isoleucine.
Molecular consequence: missense variant.
Genome position (GRCh38, 1-based): chr19:1,621,883, C>T on the plus strand (G>A on the coding strand, the complement: TCF3 is on the minus strand). VCF-style: chr19-1621883-C-T. GRCh37 (hg19) VCF-style: chr19-1621882-C-T.
Other names: c.910G>A, p.Val304Ile (NM_001136139.4, NM_001351778.2, NM_001351779.2); c.910G>A (NM_003200.3); short protein forms V304I.
Identifiers: ClinVar variation 3014552 (VCV003014552.4), dbSNP rs561310316, ClinGen allele CA9050172.